The following is an entry in ClinVar:

NM_005630.3(SLCO2A1):c.589G>A (p.Asp197Asn)

Gene: SLCO2A1 (solute carrier organic anion transporter family member 2A1; minus strand). Cytogenetic location: 3q22.1.
Variant type: single nucleotide variant.
Coding change: c.589G>A on transcript NM_005630.3 (MANE Select); coding-DNA position 589, G replaced by A.
Protein change: p.Asp197Asn; replaces aspartic acid 197 with asparagine.
Molecular consequence: missense variant.
Genome position (GRCh38, 1-based): chr3:133,955,002, C>T on the plus strand (G>A on the coding strand, the complement: SLCO2A1 is on the minus strand). VCF-style: chr3-133955002-C-T. GRCh37 (hg19) VCF-style: chr3-133673846-C-T.
Other names: short protein forms D197N.
Identifiers: ClinVar variation 4540442 (VCV004540442.1).

ClinVar aggregate classification (germline): Uncertain significance (1 of 4 stars; one submission).

Conditions:
Hypertrophic osteoarthropathy, primary, autosomal dominant. Also called: PACHYDERMOPERIOSTOSIS, AUTOSOMAL DOMINANT; PDP, AUTOSOMAL DOMINANT; PHO, AUTOSOMAL DOMINANT; PHOAD. Identifiers: Orphanet 2796, MedGen C2674695, MONDO:0008172, OMIM 167100.

gnomAD v4.1: 2 of 1,614,182 alleles (0.00012%); highest among the groups gnomAD compares: Non-Finnish European, 0.000085%; no homozygotes.

Submission:

MVZ Medizinische Genetik Mainz
Classification: Uncertain significance for Hypertrophic osteoarthropathy, primary, autosomal dominant. Last evaluated: 2025-12-09. Review status: criteria provided, single submitter. Criteria: UK Practice Guidelines For Variant Classification V4 01 2020. Collection method: clinical testing. Allele origin: germline. Inheritance: Autosomal dominant inheritance. Affected: yes. Observed: 1 variant allele.
Comment: ACMG Criteria: PM2_SUP,PP4